The following is an entry in ClinVar:

ClinVar aggregate classification (germline): Uncertain significance (1 of 4 stars; one submission).

Submission:

Women's Health and Genetics/Laboratory Corporation of America, LabCorp
Classification: Uncertain significance. Last evaluated: 2024-08-30. Review status: criteria provided, single submitter. Criteria: LabCorp Variant Classification Summary - May 2015. Collection method: clinical testing. Allele origin: germline.
Comment: Variant summary: The variant involves the duplication of exon 54 in the PI4KA gene. It is assumed to be a tandem duplication in direct orientation (PMIDs: 25640679, 30054569). This Copy Number Variant (CNV) is predicted to result in an in-frame duplication within this gene. A presumed nomenclature of c.(6173+1_6174-1)_(6257+1_6258-1)dup has been designated for the purposes of this classification. The variant was absent in 21694 control chromosomes (gnomAD structural variants data set). The available data on variant occurrences in the general population are insufficient to allow any conclusion about variant significance. To our knowledge, no occurrence of c.(6173+1_6174-1)_(6257+1_6258-1)dup in individuals affected with PI4KA-Related Disorders and no experimental evidence demonstrating its impact on protein function have been reported. No submitters have cited clinical-significance assessments for this variant to ClinVar. Based on the evidence outlined above, the variant was classified as uncertain significance.

NC_000022.10:g.(21062387_21063583)_(21063668_21064195)dup

Gene: PI4KA (phosphatidylinositol 4-kinase alpha; minus strand). Cytogenetic location: 22q11.21.
Variant type: Duplication.
Identifiers: ClinVar variation 3366324 (VCV003366324.1).